The following is an entry in ClinVar:

ClinVar aggregate classification (germline): Conflicting classifications of pathogenicity. Review status: criteria provided, conflicting classifications (1 of 4 stars). 2 submissions from 2 submitters: Uncertain significance (1); Likely benign (1). Last evaluated 2024-09-20.

Conditions:
Immunodeficiency 49 (IMD49). Also called: IMMUNODEFICIENCY 49, SEVERE COMBINED; SEVERE COMBINED IMMUNODEFICIENCY, T CELL-NEGATIVE, B CELL-POSITIVE, NK CELL-POSITIVE, WITH INTELLECTUAL DISABILITY, SPASTICITY, AND CRANIOFACIAL ABNORMALITIES; SCID, T CELL-NEGATIVE, B CELL-POSITIVE, NK CELL-POSITIVE, WITH INTELLECTUAL DISABILITY, SPASTICITY, AND CRANIOFACIAL ABNORMALITIES. Identifiers: MedGen C4310656, MONDO:0014981, OMIM 617237.
Intellectual developmental disorder with speech delay, dysmorphic facies, and t-cell abnormalities. Also called: BCL11B-related BAFopathy. Identifiers: Orphanet 662829, MedGen C4748152, MONDO:0060763, OMIM 618092.

Submissions (2):

3billion
Classification: Likely benign for Immunodeficiency 49; Intellectual developmental disorder with speech delay, dysmorphic facies, and t-cell abnormalities. Last evaluated: 2024-09-20. Review status: criteria provided, single submitter. Criteria: ACMG Guidelines, 2015. Collection method: clinical testing. Allele origin: germline. Affected: no.
Comment: The variant was identified in at least one patient who was diagnosed with a different variant in another gene and showed no symptoms related to the gene containing the variant in question.

Labcorp Genetics (formerly Invitae), Labcorp
Classification: Uncertain significance. Last evaluated: 2022-08-19. Review status: criteria provided, single submitter. Criteria: Invitae Variant Classification Sherloc (09022015). Collection method: clinical testing. Allele origin: germline.
Comment: This sequence change replaces proline, which is neutral and non-polar, with serine, which is neutral and polar, at codon 666 of the BCL11B protein (p.Pro666Ser). This variant is not present in population databases (gnomAD no frequency). This variant has not been reported in the literature in individuals affected with BCL11B-related conditions. Algorithms developed to predict the effect of missense changes on protein structure and function are either unavailable or do not agree on the potential impact of this missense change (SIFT: "Deleterious"; PolyPhen-2: "Benign"; Align-GVGD: "Class C0"). In summary, the available evidence is currently insufficient to determine the role of this variant in disease. Therefore, it has been classified as a Variant of Uncertain Significance.

NM_138576.4(BCL11B):c.1996C>T (p.Pro666Ser)

Gene: BCL11B (BCL11 transcription factor B; minus strand). Cytogenetic location: 14q32.2.
Variant type: single nucleotide variant.
Coding change: c.1996C>T on transcript NM_138576.4 (MANE Select); coding-DNA position 1996, C replaced by T.
Protein change: p.Pro666Ser; replaces proline 666 with serine.
Molecular consequence: missense variant.
Genome position (GRCh38, 1-based): chr14:99,174,840, G>A on the plus strand (C>T on the coding strand, the complement: BCL11B is on the minus strand). VCF-style: chr14-99174840-G-A. GRCh37 (hg19) VCF-style: chr14-99641177-G-A.
Other names: c.1993C>T, p.Pro665Ser (NM_001282237.2); c.1780C>T, p.Pro594Ser (NM_001282238.2); c.1783C>T, p.Pro595Ser (NM_022898.3); short protein forms P595S, P665S, P666S, P594S.
Identifiers: ClinVar variation 2089004 (VCV002089004.5), dbSNP rs1035143185, ClinGen allele CA266105140.
Genomic context (GRCh38, chr14:99,174,840, plus strand): 5'-TGGCGGCGCTGTTGAGCCCGGGGCTGGGCAGCGGCGCGGGCTTGCGCGGGAAGAGCCCGG[G>A]GAAGGGCTCGGTGCCTGGCGCGAAGCCGCCCCCGCGCCCGTTGACCGCGCCGCCCGCGCC-3'
Protein context (NP_612808.1, residues 656-676): GGFAPGTEPF[Pro666Ser]GLFPRKPAPL